The following is an entry in ClinVar:

NM_000257.4(MYH7):c.2388C>T (p.Leu796=)

Genes: MYH7 (myosin heavy chain 7; minus strand), LOC126861898 (BRD4-independent group 4 enhancer GRCh37_chr14:23893609-23894808; plus strand). Cytogenetic location: 14q11.2.
Variant type: single nucleotide variant.
Coding change: c.2388C>T on transcript NM_000257.4 (MANE Select); coding-DNA position 2388, C replaced by T.
Protein change: p.Leu796=; no amino-acid change (leucine 796 retained).
Molecular consequence: synonymous variant.
Genome position (GRCh38, 1-based): chr14:23,425,317, G>A on the plus strand (C>T on the coding strand, the complement: MYH7 is on the minus strand). VCF-style: chr14-23425317-G-A. GRCh37 (hg19) VCF-style: chr14-23894526-G-A.
Identifiers: ClinVar variation 42899 (VCV000042899.12), dbSNP rs397516144, ClinGen allele CA012263.

ClinVar aggregate classification (germline): Likely benign. Review status: criteria provided, multiple submitters, no conflicts (2 of 4 stars). 5 submissions from 5 submitters: Likely benign (5). Last evaluated 2025-07-03.

Conditions:
Cardiovascular phenotype. Identifiers: MedGen CN230736.
Cardiomyopathy (CMYO). Also called: Cardiomyopathies. Identifiers: Orphanet 167848, MedGen C0878544, MONDO:0004994, HP:0001638. Inheritance: Various modes of inheritance.
Hypertrophic cardiomyopathy. Also called: HYPERTROPHIC MYOCARDIOPATHY. Identifiers: Orphanet 217569, MedGen C0007194, MeSH D002312, MONDO:0005045, HP:0001639.

Allele frequency attached by ClinVar (database versions not stated): TOPMed below 0.00001; ExAC 0.00001; 1000 Genomes Project 30x 0.00016.
gnomAD v4.1: 14 of 1,614,140 alleles (0.00087%); highest among the groups gnomAD compares: South Asian, 0.0022%; no homozygotes.

Submissions (5):

Labcorp Genetics (formerly Invitae), Labcorp
Classification: Likely benign for Hypertrophic cardiomyopathy. Last evaluated: 2025-07-03. Review status: criteria provided, single submitter. Criteria: Invitae Variant Classification Sherloc (09022015). Collection method: clinical testing. Allele origin: germline.

Ambry Genetics
Classification: Likely benign for Cardiovascular phenotype. Last evaluated: 2024-12-13. Review status: criteria provided, single submitter. Criteria: Ambry Variant Classification Scheme 2023. Collection method: clinical testing. Allele origin: germline.

All of Us Research Program, National Institutes of Health
Classification: Likely benign for Cardiomyopathy. Last evaluated: 2023-12-18. Review status: criteria provided, single submitter. Criteria: ACMG Guidelines, 2015. Collection method: clinical testing. Allele origin: germline. Inheritance: Autosomal dominant inheritance. Observed: 1 variant allele, 1 heterozygote.
Comment: This study involves interpretation of variants in research participants for the purpose of population health screening. Participant phenotype was not available at the time of variant classification. Additional details can be found in publication PMID: 35346344, PMCID: PMC8962531

Color Diagnostics, LLC DBA Color Health
Classification: Likely benign for Cardiomyopathy. Last evaluated: 2019-03-11. Review status: criteria provided, single submitter. Criteria: ACMG Guidelines, 2015. Collection method: clinical testing. Allele origin: germline.

Laboratory for Molecular Medicine, Mass General Brigham Personalized Medicine
Classification: Likely benign. Last evaluated: 2010-01-12. Review status: criteria provided, single submitter. Criteria: LMM Criteria. Collection method: clinical testing. Allele origin: germline. Observed: 1 variant allele.